The following is an entry in ClinVar:

ClinVar aggregate classification (germline): Uncertain significance (1 of 4 stars; one submission).

Conditions:
Glycogen storage disease type III (GSD3). Also called: FORBES DISEASE; Cori disease. Identifiers: Orphanet 366, MedGen C0017922, MONDO:0009291, OMIM 232400.

Submission:

Labcorp Genetics (formerly Invitae), Labcorp
Classification: Uncertain significance for Glycogen storage disease type III. Last evaluated: 2022-07-16. Review status: criteria provided, single submitter. Criteria: Invitae Variant Classification Sherloc (09022015). Collection method: clinical testing. Allele origin: germline.
Comment: In summary, the available evidence is currently insufficient to determine the role of this variant in disease. Therefore, it has been classified as a Variant of Uncertain Significance. Algorithms developed to predict the effect of sequence changes on RNA splicing suggest that this variant may create or strengthen a splice site. This variant has not been reported in the literature in individuals affected with AGL-related conditions. This variant is not present in population databases (gnomAD no frequency). This sequence change falls in intron 12 of the AGL gene. It does not directly change the encoded amino acid sequence of the AGL protein.

NM_000642.3(AGL):c.1611+15_1611+17del

Gene: AGL (amylo-alpha-1,6-glucosidase and 4-alpha-glucanotransferase; plus strand). Cytogenetic location: 1p21.2.
Variant type: Deletion.
Coding change: c.1611+15_1611+17del on transcript NM_000642.3 (MANE Select); bases 15 to 17 of the intron after coding-DNA position 1611, 3 bases deleted (TTT; older notation c.1611+15_1611+17delTTT).
Molecular consequence: intron variant.
Genome position (GRCh38, 1-based): chr1:99,877,843-99,877,845, TTT deleted. VCF-style (leftmost placement, unchanged base first): chr1-99877842-ATTT-A. GRCh37 (hg19) VCF-style: chr1-100343398-ATTT-A.
Other names: c.1611+15_1611+17del (NM_000643.3, NM_000644.3, NM_001425326.1 and 2 more transcripts); c.1563+15_1563+17del (NM_000646.3); c.1410+15_1410+17del (NM_001425327.1); c.1407+15_1407+17del (NM_001425328.1, NM_001425329.1); c.1233+15_1233+17del (NM_001425332.1).
Identifiers: ClinVar variation 2121238 (VCV002121238.4), dbSNP rs2524622877, ClinGen allele CA2580063370.
Genomic context (GRCh38, chr1:99,877,842, plus strand): 5'-GAGTACGTCTTGATAACTGCCACTCAACACCTCTTCACGTAGCTGAGGTACAGAAAAACA[ATTT>A]ATCTACATTAAGAAAAGAAATTCAGTGTTCCTTCCTAGCTTTCCTTAAGTAAACTATGCA-3'